The following is an entry in ClinVar:

NM_004999.4(MYO6):c.1408C>T (p.Gln470Ter)

Gene: MYO6 (myosin VI; plus strand). Cytogenetic location: 6q14.1.
Variant type: single nucleotide variant.
Coding change: c.1408C>T on transcript NM_004999.4 (MANE Select); coding-DNA position 1408, C replaced by T.
Protein change: p.Gln470Ter; replaces glutamine 470 with a stop codon.
Molecular consequence: nonsense. On other transcripts: non-coding transcript variant (1).
Genome position (GRCh38, 1-based): chr6:75,858,928, C>T. VCF-style: chr6-75858928-C-T. GRCh37 (hg19) VCF-style: chr6-76568645-C-T.
Other names: c.1408C>T, p.Gln470Ter (NM_001300899.2, NM_001368136.1, NM_001368137.1 and 2 more transcripts); c.1393C>T, p.Gln465Ter (NM_001368138.1); short protein forms Q465*, Q470*.
Identifiers: ClinVar variation 4736521 (VCV004736521.1).
Genomic context (GRCh38, chr6:75,858,928, plus strand): 5'-ATAATGACTCTTGGTTCTGGTTTTATATTTTCAGAGTACTTTGAGCATAACAGTTTTGAA[C>T]AATTTTGCATCAACTATTGCAATGAAAAACTTCAACAATTTTTTAATGAAAGGATTCTGA-3'

ClinVar aggregate classification (germline): Pathogenic (1 of 4 stars; one submission).

Submission:

Labcorp Genetics (formerly Invitae), Labcorp
Classification: Pathogenic. Last evaluated: 2026-02-01. Review status: criteria provided, single submitter. Criteria: Invitae Variant Classification Sherloc (09022015). Collection method: clinical testing. Allele origin: germline.
Comment: This sequence change creates a premature translational stop signal (p.Gln470*) in the MYO6 gene. It is expected to result in an absent or disrupted protein product. Loss-of-function variants in MYO6 are known to be pathogenic (PMID: 12687499, 18348273, 23767834, 25999546, 30582396). This variant is not present in population databases (gnomAD no frequency). This variant has not been reported in the literature in individuals affected with MYO6-related conditions. For these reasons, this variant has been classified as Pathogenic.

Literature cited by the submitters: PubMed 12687499; PubMed 18348273; PubMed 23767834; PubMed 25999546; PubMed 30582396.